The following is an entry in ClinVar:

ClinVar aggregate classification (germline): Uncertain significance (1 of 4 stars; one submission).

gnomAD v4.1: 2 of 1,212,077 alleles (0.00017%); highest among the groups gnomAD compares: Non-Finnish European, 0.00022%; no homozygotes.

Submission:

GeneDx
Classification: Uncertain significance. Last evaluated: 2026-03-16. Review status: criteria provided, single submitter. Criteria: GeneDx Variant Classification Process June 2021. Collection method: clinical testing. Allele origin: germline.
Comment: Not observed at significant frequency in large population cohorts (gnomAD); In silico analysis supports that this missense variant has a deleterious effect on protein structure/function; Has not been previously published as pathogenic or benign to our knowledge

NM_020922.5(WNK3):c.3043G>T (p.Asp1015Tyr)

Gene: WNK3 (WNK lysine deficient protein kinase 3; minus strand). Cytogenetic location: Xp11.22.
Variant type: single nucleotide variant.
Coding change: c.3043G>T on transcript NM_020922.5 (MANE Select); coding-DNA position 3043, G replaced by T.
Protein change: p.Asp1015Tyr; replaces aspartic acid 1015 with tyrosine.
Molecular consequence: missense variant.
Genome position (GRCh38, 1-based): chrX:54,249,305, C>A on the plus strand (G>T on the coding strand, the complement: WNK3 is on the minus strand). VCF-style: chrX-54249305-C-A. GRCh37 (hg19) VCF-style: chrX-54275738-C-A.
Other names: c.3043G>T, p.Asp1015Tyr (NM_001002838.4, NM_001395166.1); short protein forms D1015Y.
Identifiers: ClinVar variation 5009328 (VCV005009328.1).
Genomic context (GRCh38, chrX:54,249,305, plus strand): 5'-GAGTTGTAAGAGAGTTACCAGAAGTCTGAGTTGATTCGCCAGGATGGGACATAAGTGCAT[C>A]AGCCTGACTGGCAGTTTGGTGACATGGATACACAGGTATGAATATGCTTGCTTGTTTGGT-3'
Protein context (NP_065973.2, residues 1005-1025): YPCHQTASQA[Asp1015Tyr]ALMSHPGEST